The following is an entry in ClinVar:

NM_033109.5(PNPT1):c.2348del (p.Gln783fs)

Gene: PNPT1 (polyribonucleotide nucleotidyltransferase 1; minus strand). Cytogenetic location: 2p16.1.
Variant type: Deletion.
Coding change: c.2348del on transcript NM_033109.5 (MANE Select); coding-DNA position 2348, one base deleted (A; older notation c.2348delA).
Protein change: p.Gln783fs; shifts the reading frame from glutamine 783.
Molecular consequence: frameshift variant.
Genome position (GRCh38, 1-based): chr2:55,636,241, T deleted on the plus strand (A on the coding strand, the reverse complement: PNPT1 is on the minus strand). VCF-style (leftmost placement, unchanged base first): chr2-55636240-CT-C. GRCh37 (hg19) VCF-style: chr2-55863375-CT-C.
Other names: short protein forms Q783fs.
Identifiers: ClinVar variation 1476883 (VCV001476883.6), dbSNP rs1391187004, ClinGen allele CA770367548.

ClinVar aggregate classification (germline): Uncertain significance (1 of 4 stars; one submission).

Submission:

Labcorp Genetics (formerly Invitae), Labcorp
Classification: Uncertain significance. Last evaluated: 2022-07-12. Review status: criteria provided, single submitter. Criteria: Invitae Variant Classification Sherloc (09022015). Collection method: clinical testing. Allele origin: germline.
Comment: This variant is not present in population databases (gnomAD no frequency). In summary, the available evidence is currently insufficient to determine the role of this variant in disease. Therefore, it has been classified as a Variant of Uncertain Significance. Experimental studies and prediction algorithms are not available or were not evaluated, and the functional significance of this variant is currently unknown. ClinVar contains an entry for this variant (Variation ID: 1476883). This variant has not been reported in the literature in individuals affected with PNPT1-related conditions. This sequence change results in a frameshift in the PNPT1 gene (p.Gln783Argfs*6). While this is not anticipated to result in nonsense mediated decay, it is expected to disrupt the last 1 amino acid(s) of the PNPT1 protein and extend the protein by 4 additional amino acid residues.